The following is an entry in ClinVar:

NM_182961.4(SYNE1):c.67+170A>C

Gene: SYNE1 (spectrin repeat containing nuclear envelope protein 1; minus strand). Cytogenetic location: 6q25.2.
Variant type: single nucleotide variant.
Coding change: c.67+170A>C on transcript NM_182961.4 (MANE Select); 170 bases into the intron after coding-DNA position 67, A replaced by C.
Molecular consequence: intron variant.
Genome position (GRCh38, 1-based): chr6:152,628,095, T>G on the plus strand (A>C on the coding strand, the complement: SYNE1 is on the minus strand). VCF-style: chr6-152628095-T-G. GRCh37 (hg19) VCF-style: chr6-152949230-T-G.
Other names: c.67+170A>C (NM_033071.5).
Identifiers: ClinVar variation 670150 (VCV000670150.1), dbSNP rs9371620, ClinGen allele CA150444425.
Genomic context (GRCh38, chr6:152,628,095, plus strand): 5'-ACAAAATTACAAAAAAAAAAAAAAAAGCTGTATTTTTATCTTTTCCTTCTATGTAATGAA[T>G]ACAGCATCTGAAGACAGCATGGCCCTGTTTGAAAACACTGGAATAAAGACATCCATCCCA-3'

ClinVar aggregate classification (germline): Benign (1 of 4 stars; one submission).

Allele frequency attached by ClinVar (database versions not stated): 1000 Genomes Project 0.64137; 1000 Genomes Project 30x 0.64319; gnomAD 0.66563; TOPMed 0.68296.
gnomAD v4.1: 100,280 of 148,560 alleles (68%); highest among the groups gnomAD compares: Non-Finnish European, 71%; 33,960 homozygotes.

Submission:

GeneDx
Classification: Benign. Last evaluated: 2018-06-14. Review status: criteria provided, single submitter. Criteria: GeneDx Variant Classification (06012015). Collection method: clinical testing. Allele origin: germline. Affected: yes.
Comment: This variant is considered likely benign or benign based on one or more of the following criteria: it is a conservative change, it occurs at a poorly conserved position in the protein, it is predicted to be benign by multiple in silico algorithms, and/or has population frequency not consistent with disease.